The following is an entry in ClinVar:

NC_000010.10:g.(?_17632363)_(17659338_?)del

Gene: HACD1 (3-hydroxyacyl-CoA dehydratase 1; minus strand). Cytogenetic location: 10p12.33.
Variant type: Deletion.
Identifiers: ClinVar variation 1421427 (VCV001421427.5).

ClinVar aggregate classification (germline): Pathogenic (1 of 4 stars; one submission).

Submission:

Labcorp Genetics (formerly Invitae), Labcorp
Classification: Pathogenic. Last evaluated: 2022-07-05. Review status: criteria provided, single submitter. Criteria: Invitae Variant Classification Sherloc (09022015). Collection method: clinical testing. Allele origin: germline.
Comment: For these reasons, this variant has been classified as Pathogenic. This variant has not been reported in the literature in individuals affected with HACD1-related conditions. A gross deletion of the genomic region encompassing the full coding sequence of the HACD1 gene has been identified. Loss-of-function variants in HACD1 are known to be pathogenic (PMID: 23933735). The boundaries of this event are unknown as they extend beyond the assayed region for this gene and therefore may encompass additional genes.

Literature cited by the submitters: PubMed 23933735.